The following is an entry in ClinVar:

ClinVar aggregate classification (germline): Pathogenic. Review status: criteria provided, single submitter (1 of 4 stars). 3 submissions from 3 submitters: Pathogenic (1). 2 of the submissions do not count toward it. Last evaluated 2025-05-25.

Conditions:
Tuberous sclerosis 2 (TSC2). Identifiers: Orphanet 805, MedGen C1860707, MONDO:0013199, OMIM 613254.
Tuberous sclerosis syndrome (TSC). Also called: Tuberous Sclerosis Complex; Tuberous sclerosis. Identifiers: Orphanet 805, MedGen C0041341, MONDO:0001734.

Submissions (3):

Labcorp Genetics (formerly Invitae), Labcorp
Classification: Pathogenic for Tuberous sclerosis 2. Last evaluated: 2025-05-25. Review status: criteria provided, single submitter. Criteria: Invitae Variant Classification Sherloc (09022015). Collection method: clinical testing. Allele origin: germline.
Comment: This sequence change affects a donor splice site in intron 20 of the TSC2 gene. It is expected to disrupt RNA splicing. Variants that disrupt the donor or acceptor splice site typically lead to a loss of protein function (PMID: 16199547), and loss-of-function variants in TSC2 are known to be pathogenic (PMID: 10205261, 17304050). This variant is not present in population databases (gnomAD no frequency). Disruption of this splice site has been observed in individuals with tuberous sclerosis complex (PMID: 29432982, 33391346). ClinVar contains an entry for this variant (Variation ID: 50120). Algorithms developed to predict the effect of sequence changes on RNA splicing suggest that this variant may disrupt the consensus splice site. For these reasons, this variant has been classified as Pathogenic.

Baylor Genetics
Classification: Pathogenic for tuberous sclerosis 2. Last evaluated: 2018-11-18. Review status: no assertion criteria provided. Collection method: clinical testing. Allele origin: germline. Affected: yes. Not counted in ClinVar's aggregate classification.

Tuberous sclerosis database (TSC2)
No classification provided. Condition: TSC. Review status: no classification provided. Criteria: Tuberous Sclerosis Database Assertion Criteria 2015. Collection method: curation. Allele origin: germline. Affected: yes. Not counted in ClinVar's aggregate classification.

Literature cited by the submitters: PubMed 16199547 (cited by Labcorp Genetics (formerly Invitae), Labcorp); PubMed 10205261 (cited by Labcorp Genetics (formerly Invitae), Labcorp); PubMed 17304050 (cited by Labcorp Genetics (formerly Invitae), Labcorp); PubMed 29432982 (cited by Labcorp Genetics (formerly Invitae), Labcorp); PubMed 33391346 (cited by Labcorp Genetics (formerly Invitae), Labcorp).

NM_000548.5(TSC2):c.2220+1G>T

Gene: TSC2 (TSC complex subunit 2; plus strand). Cytogenetic location: 16p13.3.
Variant type: single nucleotide variant.
Coding change: c.2220+1G>T on transcript NM_000548.5 (MANE Select); the canonical splice donor site of the intron after coding-DNA position 2220, G replaced by T.
Molecular consequence: splice donor variant.
Genome position (GRCh38, 1-based): chr16:2,072,364, G>T. VCF-style: chr16-2072364-G-T. GRCh37 (hg19) VCF-style: chr16-2122365-G-T.
Other names: c.876+1G>T (NM_001406693.1, NM_001406689.1, NM_001406690.1 and 6 more transcripts); c.2310+1G>T (NM_001406667.1, NM_001406668.1); c.1620+1G>T (NM_001406680.1, NM_001406683.1, NM_001406687.1 and 6 more transcripts); c.618+1G>T (NM_001406698.1); c.2220+1G>T (NM_001114382.3, NM_001406663.1, NM_001406664.1 and 6 more transcripts); c.2208+1G>T (NM_001406671.1, NM_001406673.1); c.1758+1G>T (NM_001406681.1); c.2109+1G>T (NM_001406670.1, NM_001318827.2, NM_001406678.1); and 3 more.
Identifiers: ClinVar variation 50120 (VCV000050120.3), dbSNP rs137854361, ClinGen allele CA016946.